The following is an entry in ClinVar:

ClinVar aggregate classification (germline): Uncertain significance (1 of 4 stars; one submission).

Conditions:
Myopathy, lactic acidosis, and sideroblastic anemia 1 (MLASA1). Identifiers: Orphanet 2598, MedGen C4551958, MONDO:0024553, OMIM 600462.

Submission:

St. Jude Molecular Pathology, St. Jude Children's Research Hospital
Classification: Uncertain significance for Myopathy, lactic acidosis, and sideroblastic anemia 1. Last evaluated: 2026-10-01. Review status: criteria provided, single submitter. Criteria: St. Jude Assertion Criteria 2020. Collection method: clinical testing. Allele origin: germline.
Comment: The PUS1 c.895G>T p.(Gly299Cys) missense change has a maximum subpopulation frequency of 0.0009% in gnomAD v2.1.1. The in silico tool REVEL predicts a deleterious effect on protein funct ion, but to our knowledge this prediction has not been confirmed by functional studies. To our knowledge this variant has not been reported in the literature in individuals with PUS1-assoicated conditions. In summary, the evidence currently available is insufficient to determine the clinical significance of this variant. It has therefore been classified as of uncertain significance.

NM_025215.6(PUS1):c.895G>T (p.Gly299Cys)

Gene: PUS1 (pseudouridine synthase 1; plus strand). Cytogenetic location: 12q24.33.
Variant type: single nucleotide variant.
Coding change: c.895G>T on transcript NM_025215.6 (MANE Select); coding-DNA position 895, G replaced by T.
Protein change: p.Gly299Cys; replaces glycine 299 with cysteine.
Molecular consequence: missense variant.
Genome position (GRCh38, 1-based): chr12:131,941,642, G>T. VCF-style: chr12-131941642-G-T. GRCh37 (hg19) VCF-style: chr12-132426187-G-T.
Other names: c.811G>T, p.Gly271Cys (NM_001002019.3, NM_001002020.3); short protein forms G271C, G299C.
Identifiers: ClinVar variation 5043403 (VCV005043403.1).